The following is an entry in ClinVar:

NM_198859.4(PRICKLE2):c.144+6A>G

Genes: PRICKLE2 (prickle planar cell polarity protein 2; minus strand), PRICKLE2-AS3 (PRICKLE2 antisense RNA 3; plus strand). Cytogenetic location: 3p14.1.
Variant type: single nucleotide variant.
Coding change: c.144+6A>G on transcript NM_198859.4 (MANE Select); 6 bases into the intron after coding-DNA position 144, A replaced by G.
Molecular consequence: intron variant. On other transcripts: non-coding transcript variant (1).
Genome position (GRCh38, 1-based): chr3:64,198,778, T>C on the plus strand (A>G on the coding strand, the complement: PRICKLE2 is on the minus strand). VCF-style: chr3-64198778-T-C. GRCh37 (hg19) VCF-style: chr3-64184454-T-C.
Other names: c.144+6A>G (NM_001370528.1).
Identifiers: ClinVar variation 1490263 (VCV001490263.6), dbSNP rs2107115161, ClinGen allele CA433994092.
Genomic context (GRCh38, chr3:64,198,778, plus strand): 5'-GAGGAAGGACCAGTAAGGCAAAGTGAAACACCCAAACCACCAGCATGCTCCCATCCAGAA[T>C]GGTACCTGTTCAGGCTTCAGACCCGGCGGGACCCAGGCATACTCTTCCAAAGCACAGCCT-3'

ClinVar aggregate classification (germline): Uncertain significance (1 of 4 stars; one submission).

Conditions:
Progressive myoclonic epilepsy type 5. Identifiers: Orphanet 402082, MedGen C5190799.

Submission:

Labcorp Genetics (formerly Invitae), Labcorp
Classification: Uncertain significance for Progressive myoclonic epilepsy type 5. Last evaluated: 2021-03-24. Review status: criteria provided, single submitter. Criteria: Invitae Variant Classification Sherloc (09022015). Collection method: clinical testing. Allele origin: germline.
Comment: This sequence change falls in intron 2 of the PRICKLE2 gene. It does not directly change the encoded amino acid sequence of the PRICKLE2 protein. It affects a nucleotide within the consensus splice site of the intron. This variant is not present in population databases (ExAC no frequency). This variant has not been reported in the literature in individuals with PRICKLE2-related conditions. Nucleotide substitutions within the consensus splice site are a relatively common cause of aberrant splicing (PMID: 17576681, 9536098). Algorithms developed to predict the effect of sequence changes on RNA splicing suggest that this variant is not likely to affect RNA splicing, but this prediction has not been confirmed by published transcriptional studies. In summary, the available evidence is currently insufficient to determine the role of this variant in disease. Therefore, it has been classified as a Variant of Uncertain Significance.

Literature cited by the submitters: PubMed 17576681; PubMed 9536098.